The following is an entry in ClinVar:

NM_198060.4(NRAP):c.984C>T (p.Leu328=)

Gene: NRAP (nebulin related anchoring protein; minus strand). Cytogenetic location: 10q25.3.
Variant type: single nucleotide variant.
Coding change: c.984C>T on transcript NM_198060.4 (MANE Select); coding-DNA position 984, C replaced by T.
Protein change: p.Leu328=; no amino-acid change (leucine 328 retained).
Molecular consequence: synonymous variant.
Genome position (GRCh38, 1-based): chr10:113,646,932, G>A on the plus strand (C>T on the coding strand, the complement: NRAP is on the minus strand). VCF-style: chr10-113646932-G-A. GRCh37 (hg19) VCF-style: chr10-115406691-G-A.
Other names: c.984C>T, p.Leu328= (NM_001261463.2, NM_001322945.2, NM_006175.5).
Identifiers: ClinVar variation 774473 (VCV000774473.30), dbSNP rs34652635, ClinGen allele CA5695739.

ClinVar aggregate classification (germline): Benign. Review status: criteria provided, multiple submitters, no conflicts (2 of 4 stars). 5 submissions from 5 submitters: Benign (4). 1 of the submissions does not count toward it. Last evaluated 2025-04-09.

Conditions:
NRAP-related disorder. Also called: NRAP-related condition.

Allele frequency attached by ClinVar (database versions not stated): 1000 Genomes Project 0.00339; 1000 Genomes Project 30x 0.00344; ExAC 0.00839; gnomAD exomes 0.00880 and 0.01436; gnomAD 0.00959 and 0.00995; TOPMed 0.01051; ESP Exome Variant Server 0.01146.
gnomAD v4.1: 22,298 of 1,611,590 alleles (1.4%); highest among the groups gnomAD compares: Non-Finnish European, 1.7%; 229 homozygotes.

Submissions (5):

Molecular Diagnostic Laboratory for Inherited Cardiovascular Disease, Montreal Heart Institute
Classification: Benign. Last evaluated: 2025-04-09. Review status: criteria provided, single submitter. Criteria: ACMG Guidelines, 2015. Collection method: clinical testing. Allele origin: germline. Affected: no.

CeGaT Center for Human Genetics Tuebingen
Classification: Benign. Last evaluated: 2023-02-01. Review status: criteria provided, single submitter. Criteria: CeGaT Center For Human Genetics Tuebingen Variant Classification Criteria Version 2. Collection method: clinical testing. Allele origin: germline. Affected: yes. Observed: 1 variant allele.
Comment: NRAP: BP4, BP7, BS1, BS2

Labcorp Genetics (formerly Invitae), Labcorp
Classification: Benign. Last evaluated: 2018-06-28. Review status: criteria provided, single submitter. Criteria: Invitae Variant Classification Sherloc (09022015). Collection method: clinical testing. Allele origin: germline.

Breakthrough Genomics
Classification: Benign. Review status: criteria provided, single submitter. Criteria: ACMG Guidelines, 2015. Collection method: not provided. Allele origin: germline. Inheritance: Unknown mechanism. Affected: yes.

PreventionGenetics, part of Exact Sciences
Classification: Likely benign for NRAP-related condition. Last evaluated: 2019-02-21. Review status: no assertion criteria provided. Collection method: clinical testing. Allele origin: germline. Not counted in ClinVar's aggregate classification.
Comment: This variant is classified as likely benign based on ACMG/AMP sequence variant interpretation guidelines (Richards et al. 2015 PMID: 25741868, with internal and published modifications).